The following is an entry in ClinVar:

NM_021930.6(RINT1):c.629T>C (p.Leu210Pro)

Gene: RINT1 (RAD50 interactor 1; plus strand). Cytogenetic location: 7q22.3.
Variant type: single nucleotide variant.
Coding change: c.629T>C on transcript NM_021930.6 (MANE Select); coding-DNA position 629, T replaced by C.
Protein change: p.Leu210Pro; replaces leucine 210 with proline.
Molecular consequence: missense variant. On other transcripts: 5 prime UTR variant (2), non-coding transcript variant (1), intron variant (1).
Genome position (GRCh38, 1-based): chr7:105,547,023, T>C. VCF-style: chr7-105547023-T-C. GRCh37 (hg19) VCF-style: chr7-105187470-T-C.
Other names: c.395T>C, p.Leu132Pro (NM_001346599.2); c.-391T>C (NM_001346600.2); c.-294T>C (NM_001346601.2); c.-27-3032T>C (NM_001346603.2); short protein forms L132P, L210P.
Identifiers: ClinVar variation 4154621 (VCV004154621.1).

ClinVar aggregate classification (germline): Uncertain significance (1 of 4 stars; one submission).

Submission:

Ambry Genetics
Classification: Uncertain significance. Last evaluated: 2025-08-20. Review status: criteria provided, single submitter. Criteria: Ambry Variant Classification Scheme 2023. Collection method: clinical testing. Allele origin: germline.
Comment: The p.L210P variant (also known as c.629T>C), located in coding exon 5 of the RINT1 gene, results from a T to C substitution at nucleotide position 629. The leucine at codon 210 is replaced by proline, an amino acid with similar properties. This amino acid position is conserved. In addition, this alteration is predicted to be tolerated by in silico analysis. Based on the available evidence, the clinical significance of this variant remains unclear.